The following is an entry in ClinVar:

NM_012281.3(KCND2):c.1814T>C (p.Val605Ala)

Gene: KCND2 (potassium voltage-gated channel subfamily D member 2; plus strand). Cytogenetic location: 7q31.31.
Variant type: single nucleotide variant.
Coding change: c.1814T>C on transcript NM_012281.3 (MANE Select); coding-DNA position 1814, T replaced by C.
Protein change: p.Val605Ala; replaces valine 605 with alanine.
Molecular consequence: missense variant.
Genome position (GRCh38, 1-based): chr7:120,747,779, T>C. VCF-style: chr7-120747779-T-C. GRCh37 (hg19) VCF-style: chr7-120387833-T-C.
Other names: short protein forms V605A.
Identifiers: ClinVar variation 1462418 (VCV001462418.6), dbSNP rs1793025249, ClinGen allele CA369136698.

ClinVar aggregate classification (germline): Uncertain significance (1 of 4 stars; one submission).

Conditions:
Early Myoclonic Encephalopathy. Identifiers: MedGen C0270855.

Allele frequency attached by ClinVar (database versions not stated): gnomAD exomes 0.00001; TOPMed below 0.00001.
gnomAD v4.1: 11 of 1,612,450 alleles (0.00068%); highest among the groups gnomAD compares: Non-Finnish European, 0.00093%; no homozygotes.

Submission:

Labcorp Genetics (formerly Invitae), Labcorp
Classification: Uncertain significance for Early Myoclonic Encephalopathy. Last evaluated: 2025-11-28. Review status: criteria provided, single submitter. Criteria: Invitae Variant Classification Sherloc (09022015). Collection method: clinical testing. Allele origin: germline.
Comment: This sequence change replaces valine, which is neutral and non-polar, with alanine, which is neutral and non-polar, at codon 605 of the KCND2 protein (p.Val605Ala). This variant is not present in population databases (gnomAD no frequency). This variant has not been reported in the literature in individuals affected with KCND2-related conditions. ClinVar contains an entry for this variant (Variation ID: 1462418). Invitae Evidence Modeling of protein sequence and biophysical properties (such as structural, functional, and spatial information, amino acid conservation, physicochemical variation, residue mobility, and thermodynamic stability) indicates that this missense variant is not expected to disrupt KCND2 protein function with a negative predictive value of 95%. In summary, the available evidence is currently insufficient to determine the role of this variant in disease. Therefore, it has been classified as a Variant of Uncertain Significance.